The following is an entry in ClinVar:

ClinVar aggregate classification (germline): Uncertain significance. Review status: criteria provided, multiple submitters, no conflicts (2 of 4 stars). 2 submissions from 2 submitters: Uncertain significance (2). Last evaluated 2025-02-19.

Conditions:
Epidermolysis bullosa simplex 5B, with muscular dystrophy (EBS5B). Also called: EPIDERMOLYSIS BULLOSA SIMPLEX AND LIMB-GIRDLE MUSCULAR DYSTROPHY; Epidermolysis bullosa simplex with muscular dystrophy. Identifiers: Orphanet 257, MedGen C2931072, MONDO:0009181, OMIM 226670.
Epidermolysis bullosa simplex with nail dystrophy (EBS5D). Identifiers: MedGen C4225309, MONDO:0014661, OMIM 616487.
Epidermolysis bullosa simplex, Ogna type (EBS5A). Also called: EPIDERMOLYSIS BULLOSA SIMPLEX 5A, OGNA TYPE; Pidermolysis bullosa simplex 5A, Ogna type. Identifiers: Orphanet 79401, MedGen C0432317, MONDO:0007555, OMIM 131950.
Autosomal recessive limb-girdle muscular dystrophy type 2Q (LGMDR17). Also called: MUSCULAR DYSTROPHY, LIMB-GIRDLE, AUTOSOMAL RECESSIVE 17. Identifiers: Orphanet 254361, MedGen C3150989, MONDO:0013390, OMIM 613723.
Epidermolysis bullosa simplex 5C, with pyloric atresia (EBS5C). Also called: Epidermolysis bullosa simplex with pyloric atresia; PLEC-Related Epidermolysis Bullosa with Pyloric Atresia; PLEC1-Related Epidermolysis Bullosa with Pyloric Atresia. Identifiers: Orphanet 158684, MedGen C2677349, MONDO:0012807, OMIM 612138.
Inborn genetic diseases. Identifiers: MedGen C0950123, MeSH D030342.

Allele frequency attached by ClinVar (database versions not stated): gnomAD exomes below 0.00001.
gnomAD v4.1: 1 of 1,571,474 alleles (0.000064%); highest among the groups gnomAD compares: Non-Finnish European, 0.000086%; no homozygotes.

Submissions (2):

Ambry Genetics
Classification: Uncertain significance for Inborn genetic diseases. Last evaluated: 2025-02-19. Review status: criteria provided, single submitter. Criteria: Ambry Variant Classification Scheme 2023. Collection method: clinical testing. Allele origin: germline.

Labcorp Genetics (formerly Invitae), Labcorp
Classification: Uncertain significance for Autosomal recessive limb-girdle muscular dystrophy type 2Q; Epidermolysis bullosa simplex, Ogna type; Epidermolysis bullosa simplex with nail dystrophy; Epidermolysis bullosa simplex 5C, with pyloric atresia; Epidermolysis bullosa simplex 5B, with muscular dystrophy. Last evaluated: 2024-02-17. Review status: criteria provided, single submitter. Criteria: Invitae Variant Classification Sherloc (09022015). Collection method: clinical testing. Allele origin: germline.
Comment: This sequence change replaces leucine, which is neutral and non-polar, with proline, which is neutral and non-polar, at codon 3831 of the PLEC protein (p.Leu3831Pro). This variant is not present in population databases (gnomAD no frequency). This variant has not been reported in the literature in individuals affected with PLEC-related conditions. ClinVar contains an entry for this variant (Variation ID: 944861). An algorithm developed to predict the effect of missense changes on protein structure and function (PolyPhen-2) suggests that this variant is likely to be disruptive. In summary, the available evidence is currently insufficient to determine the role of this variant in disease. Therefore, it has been classified as a Variant of Uncertain Significance.

NM_201384.3(PLEC):c.11411T>C (p.Leu3804Pro)

Gene: PLEC (plectin; minus strand). Cytogenetic location: 8q24.3.
Variant type: single nucleotide variant.
Coding change: c.11411T>C on transcript NM_201384.3 (MANE Select); coding-DNA position 11411, T replaced by C.
Protein change: p.Leu3804Pro; replaces leucine 3804 with proline.
Molecular consequence: missense variant.
Genome position (GRCh38, 1-based): chr8:143,918,410, A>G on the plus strand (T>C on the coding strand, the complement: PLEC is on the minus strand). VCF-style: chr8-143918410-A-G. GRCh37 (hg19) VCF-style: chr8-144992578-A-G.
Other names: c.11492T>C, p.Leu3831Pro (NM_000445.5); c.11369T>C, p.Leu3790Pro (NM_201378.4); c.11345T>C, p.Leu3782Pro (NM_201379.3); c.11822T>C, p.Leu3941Pro (NM_201380.4); c.11315T>C, p.Leu3772Pro (NM_201381.3); c.11411T>C, p.Leu3804Pro (NM_201382.4); c.11423T>C, p.Leu3808Pro (NM_201383.3); c.11492T>C (NM_000445.3); short protein forms L3808P, L3831P, L3772P, L3782P, L3804P, L3790P, L3941P.
Identifiers: ClinVar variation 944861 (VCV000944861.11), dbSNP rs1821314879, ClinGen allele CA372490874.